The following is an entry in ClinVar:

NM_001063.4(TF):c.570T>A (p.Cys190Ter)

Gene: TF (transferrin; plus strand). Cytogenetic location: 3q22.1.
Variant type: single nucleotide variant.
Coding change: c.570T>A on transcript NM_001063.4 (MANE Select); coding-DNA position 570, T replaced by A.
Protein change: p.Cys190Ter; replaces cysteine 190 with a stop codon.
Molecular consequence: nonsense.
Genome position (GRCh38, 1-based): chr3:133,755,430, T>A. VCF-style: chr3-133755430-T-A. GRCh37 (hg19) VCF-style: chr3-133474274-T-A.
Other names: c.438T>A, p.Cys146Ter (NM_001354703.2); c.189T>A, p.Cys63Ter (NM_001354704.2); short protein forms C146*, C190*, C63*.
Identifiers: ClinVar variation 5015074 (VCV005015074.1).

ClinVar aggregate classification (germline): Pathogenic (1 of 4 stars; one submission).

Conditions:
Atransferrinemia. Also called: Familial hypotransferrinemia. Identifiers: Orphanet 1195, MedGen C0521802, MONDO:0008846, OMIM 209300, HP:0012239.

gnomAD v4.1: 2 of 1,614,230 alleles (0.00012%); highest among the groups gnomAD compares: South Asian, 0.0011%; no homozygotes.

Submission:

Myriad Genetics, Inc.
Classification: Pathogenic for Atransferrinemia. Last evaluated: 2025-10-11. Review status: criteria provided, single submitter. Criteria: Myriad Autosomal Dominant, Autosomal Recessive and X-Linked Classification Criteria (2023). Collection method: clinical testing. Allele origin: unknown.
Comment: NM_001063.3(TF):c.570T>A(C190*) is expected to be pathogenic in the context of atransferrinemia. This variant is predicted to lead to an abnormal or absent protein product due to the creation of a premature termination codon in TF, a gene where loss-of-function variants are known to be pathogenic. Please note: this variant was assessed in the context of healthy population screening.